The following is an entry in ClinVar:

NM_000370.3(TTPA):c.487del (p.Trp163fs)

Gene: TTPA (alpha tocopherol transfer protein; minus strand). Cytogenetic location: 8q12.3.
Variant type: Deletion.
Coding change: c.487del on transcript NM_000370.3 (MANE Select); coding-DNA position 487, one base deleted (T; older notation c.487delT).
Protein change: p.Trp163fs; shifts the reading frame from tryptophan 163.
Molecular consequence: frameshift variant.
Genome position (GRCh38, 1-based): chr8:63,065,969, A deleted on the plus strand (T on the coding strand, the reverse complement: TTPA is on the minus strand); the first of 2 consecutive A bases (chr8:63,065,969-63,065,970); deleting either gives the same sequence. VCF-style (leftmost placement, unchanged base first): chr8-63065968-CA-C. GRCh37 (hg19) VCF-style: chr8-63978527-CA-C.
Other names: p.Trp163Glyfs*13; c.487delT (NM_000370.3); short protein forms W163fs.
Identifiers: ClinVar variation 188951 (VCV000188951.28), dbSNP rs397515378, ClinGen allele CA120136.

ClinVar aggregate classification (germline): Pathogenic. Review status: criteria provided, multiple submitters, no conflicts (2 of 4 stars). 12 submissions from 12 submitters: Pathogenic (7). 5 of the submissions do not count toward it. Last evaluated 2025-07-08.

Conditions:
TTPA-related disorder. Also called: TTPA-related condition.
Familial isolated deficiency of vitamin E (AVED). Also called: Ataxia with isolated vitamin E deficiency; ATAXIA, FRIEDREICH-LIKE, WITH SELECTIVE VITAMIN E DEFICIENCY. Identifiers: Orphanet 96, MedGen C1848533, MONDO:0010188, OMIM 277460.
ATAXIA, FRIEDREICH-LIKE, WITH ISOLATED VITAMIN E DEFICIENCY. Identifiers: MedGen C4016662.

Submissions (12):

Mayo Clinic Laboratories, Mayo Clinic
Classification: Pathogenic. Last evaluated: 2025-07-08. Review status: criteria provided, single submitter. Criteria: ACMG Guidelines, 2015. Collection method: clinical testing. Allele origin: germline. Observed: 1 variant allele.
Comment: PP4, PM2_supporting, PM3, PVS1

Natera, Inc.
Classification: Pathogenic for Ataxia with isolated vitamin E deficiency. Last evaluated: 2025-06-30. Review status: criteria provided, single submitter. Criteria: Natera Variant Classification Schema (03/2026). Collection method: clinical testing. Allele origin: germline.
Comment: The c.487delT variant in TTPA is a frameshift variant predicted to shift the reading frame beginning at codon 163 and leads to a stop codon 13 codons downstream. This variant is expected to result in nonsense mediated decay, truncation, or a dysfunctional protein product. This variant is rare in the general population with a frequency below the threshold expected for the associated phenotype(s). This variant has been observed in one or more individuals affected with the associated recessive disease, as either homozygous or compound heterozygous with a second variant (PMID: 9463307, 35758105). Given the available evidence, this variant is classified as Pathogenic.

Labcorp Genetics (formerly Invitae), Labcorp
Classification: Pathogenic. Last evaluated: 2025-03-17. Review status: criteria provided, single submitter. Criteria: Invitae Variant Classification Sherloc (09022015). Collection method: clinical testing. Allele origin: germline.
Comment: This sequence change creates a premature translational stop signal (p.Trp163Glyfs*13) in the TTPA gene. It is expected to result in an absent or disrupted protein product. Loss-of-function variants in TTPA are known to be pathogenic (PMID: 9463307, 26068213). This variant is present in population databases (rs748164236, gnomAD 0.01%). This premature translational stop signal has been observed in individuals with ataxia with vitamin E deficiency (PMID: 8602747, 9463307, 12907280, 15300460, 27274910). This variant is also known as 485delT, 486delT. ClinVar contains an entry for this variant (Variation ID: 188951). For these reasons, this variant has been classified as Pathogenic.

Fulgent Genetics
Classification: Pathogenic for Familial isolated deficiency of vitamin E. Last evaluated: 2022-03-24. Review status: criteria provided, single submitter. Criteria: ACMG Guidelines, 2015. Collection method: clinical testing. Allele origin: unknown.

Blueprint Genetics
Classification: Pathogenic for TTPA-related disorders. Last evaluated: 2020-12-20. Review status: criteria provided, single submitter. Criteria: ACMG Guidelines, 2015. Collection method: clinical testing. Allele origin: germline. Affected: yes. Observed: 3 variant alleles.

Women's Health and Genetics/Laboratory Corporation of America, LabCorp
Classification: Pathogenic for Familial isolated deficiency of vitamin E. Last evaluated: 2019-02-19. Review status: criteria provided, single submitter. Criteria: LabCorp Variant Classification Summary - May 2015. Collection method: clinical testing. Allele origin: germline.
Comment: Variant summary: TTPA c.487delT (p.Trp163GlyfsX13) results in a premature termination codon, predicted to cause a truncation of the encoded protein or absence of the protein due to nonsense mediated decay, which are commonly known mechanisms for disease. The variant allele was found at a frequency of 2.9e-05 in 277072 control chromosomes (gnomAD). c.487delT has been reported in the literature in multiple homozygous and compound heterozygous individuals affected with Ataxia with Vitamin E Deficiency, which vitamin E levels were significantly decreased (<10%) (Hentati 1996, Cavalier 1998, Becker 2016). These data indicate that the variant is very likely to be associated with disease. A ClinVar submission from a clinical diagnostic laboratory (evaluation after 2014) cites the variant as pathogenic. Based on the evidence outlined above, the variant was classified as pathogenic.

Clinical Genetics DNA and cytogenetics Diagnostics Lab, Erasmus MC, Erasmus Medical Center
Classification: Pathogenic for Familial isolated deficiency of vitamin E. Last evaluated: 2015-09-21. Review status: criteria provided, single submitter. Criteria: ACGS Guidelines, 2013. Collection method: clinical testing. Allele origin: germline. Affected: yes. Study: VKGL Data-share Consensus.

Counsyl
Classification: Likely pathogenic for Ataxia with vitamin E deficiency. Last evaluated: 2014-08-29. Review status: no assertion criteria provided. Collection method: literature only. Allele origin: unknown. Inheritance: Autosomal recessive inheritance. Not counted in ClinVar's aggregate classification.

OMIM
Classification: Pathogenic for ATAXIA, FRIEDREICH-LIKE, WITH ISOLATED VITAMIN E DEFICIENCY. Last evaluated: 1996-03-01. Review status: no assertion criteria provided. Collection method: literature only. Allele origin: germline. Not counted in ClinVar's aggregate classification.

Diagnostic Laboratory, Department of Genetics, University Medical Center Groningen
Classification: Pathogenic for Familial isolated deficiency of vitamin E. Review status: no assertion criteria provided. Collection method: clinical testing. Allele origin: germline. Affected: yes. Study: VKGL Data-share Consensus. Not counted in ClinVar's aggregate classification.

GeneReviews
No classification provided. Condition: Familial isolated deficiency of vitamin E. Review status: no classification provided. Collection method: literature only. Allele origin: unknown. Not counted in ClinVar's aggregate classification.

Joint Genome Diagnostic Labs from Nijmegen and Maastricht, Radboudumc and MUMC+
Classification: Pathogenic. Review status: no assertion criteria provided. Collection method: clinical testing. Allele origin: germline. Affected: yes. Study: VKGL Data-share Consensus. Not counted in ClinVar's aggregate classification.

Literature cited by the submitters: PubMed 12907280 (cited by 3 submitters); PubMed 15300460 (cited by 3 submitters); PubMed 27274910 (cited by 3 submitters); PubMed 33624863 (cited by Mayo Clinic Laboratories, Mayo Clinic); PubMed 8602747 (cited by 5 submitters); PubMed 9463307 (cited by 5 submitters); PubMed 35758105 (cited by Natera, Inc.); PubMed 26068213 (cited by Labcorp Genetics (formerly Invitae), Labcorp); PubMed 20301419 (cited by GeneReviews); NCBI Bookshelf NBK1241 (cited by GeneReviews).